The following is an entry in ClinVar:

ClinVar aggregate classification (germline): Pathogenic. Review status: no assertion criteria provided (0 of 4 stars). 2 submissions from 2 submitters: Pathogenic (2). Last evaluated 1989-08-01.

Conditions:
Ornithine carbamoyltransferase deficiency (OTCD). Also called: ORNITHINE TRANSCARBAMYLASE DEFICIENCY, HYPERAMMONEMIA DUE TO; OTC DEFICIENCY; ORNITHINE TRANSCARBAMYLASE DEFICIENCY; Ornithine Carbamoyltransferase Deficiency Disease. Identifiers: Orphanet 664, MedGen C0268542, MONDO:0010703, OMIM 311250.

Submissions (2):

OMIM
Classification: Pathogenic for ORNITHINE TRANSCARBAMYLASE DEFICIENCY. Last evaluated: 1989-08-01. Review status: no assertion criteria provided. Collection method: literature only. Allele origin: germline.

GenMed Metabolism Lab
Classification: Pathogenic. Review status: no assertion criteria provided. Collection method: not provided. Allele origin: unknown.
Comment: p.Leu45Pro, Neonatal
ClinVar note: Converted during submission from pathogenic to Pathogenic.

Literature cited by the submitters: PubMed 2474822 (cited by OMIM).

NM_000531.6(OTC):c.134T>C (p.Leu45Pro)

Gene: OTC (ornithine transcarbamylase; plus strand). Cytogenetic location: Xp11.4.
Variant type: single nucleotide variant.
Coding change: c.134T>C on transcript NM_000531.6 (MANE Select); coding-DNA position 134, T replaced by C.
Protein change: p.Leu45Pro; replaces leucine 45 with proline.
Molecular consequence: missense variant.
Genome position (GRCh38, 1-based): chrX:38,367,347, T>C. VCF-style: chrX-38367347-T-C. GRCh37 (hg19) VCF-style: chrX-38226600-T-C.
Other names: short protein forms L45P.
Identifiers: ClinVar variation 10992 (VCV000010992.4), dbSNP rs72554312, ClinGen allele CA224461.
Genomic context (GRCh38, chrX:38,367,347, plus strand): 5'-ACAGGTGTGGACAACCACTACAAAATAAAGTGCAGCTGAAGGGCCGTGACCTTCTCACTC[T>C]AAAAAACTTTACCGGAGAAGAAATTAAATATATGCTATGGCTATCAGCAGATCTGAAATT-3'
Protein context (NP_000522.3, residues 35-55): VQLKGRDLLT[Leu45Pro]KNFTGEEIKY